The following is an entry in ClinVar:

NM_001367916.1(MAGT1):c.825T>C (p.Phe275=)

Gene: MAGT1 (magnesium transporter 1; minus strand). Cytogenetic location: Xq21.1.
Variant type: single nucleotide variant.
Coding change: c.825T>C on transcript NM_001367916.1 (MANE Select); coding-DNA position 825, T replaced by C.
Protein change: p.Phe275=; no amino-acid change (phenylalanine 275 retained).
Molecular consequence: synonymous variant.
Genome position (GRCh38, 1-based): chrX:77,853,902, A>G on the plus strand (T>C on the coding strand, the complement: MAGT1 is on the minus strand). VCF-style: chrX-77853902-A-G. GRCh37 (hg19) VCF-style: chrX-77109399-A-G.
Other names: c.921T>C, p.Phe307= (NM_032121.5).
Identifiers: ClinVar variation 2737612 (VCV002737612.3), dbSNP rs782509459, ClinGen allele CA10458459.

ClinVar aggregate classification (germline): Uncertain significance (1 of 4 stars; one submission).

Conditions:
X-linked immunodeficiency with magnesium defect, Epstein-Barr virus infection and neoplasia. Identifiers: Orphanet 317476, MedGen C3275445, MONDO:0010455, OMIM 300853.

Allele frequency attached by ClinVar (database versions not stated): ExAC 0.00001.

Submission:

Labcorp Genetics (formerly Invitae), Labcorp
Classification: Uncertain significance for X-linked immunodeficiency with magnesium defect, Epstein-Barr virus infection and neoplasia. Last evaluated: 2023-10-15. Review status: criteria provided, single submitter. Criteria: Invitae Variant Classification Sherloc (09022015). Collection method: clinical testing. Allele origin: germline.
Comment: This sequence change affects codon 307 of the MAGT1 mRNA. It is a 'silent' change, meaning that it does not change the encoded amino acid sequence of the MAGT1 protein. It affects a nucleotide within the consensus splice site. This variant is present in population databases (rs782509459, gnomAD 0.005%). This variant has not been reported in the literature in individuals affected with MAGT1-related conditions. Algorithms developed to predict the effect of sequence changes on RNA splicing suggest that this variant may create or strengthen a splice site. In summary, the available evidence is currently insufficient to determine the role of this variant in disease. Therefore, it has been classified as a Variant of Uncertain Significance.